The following is an entry in ClinVar:

NM_024301.5(FKRP):c.1461A>G (p.Ala487=)

Gene: FKRP (fukutin related protein; plus strand). Cytogenetic location: 19q13.32.
Variant type: single nucleotide variant.
Coding change: c.1461A>G on transcript NM_024301.5 (MANE Select); coding-DNA position 1461, A replaced by G.
Protein change: p.Ala487=; no amino-acid change (alanine 487 retained).
Molecular consequence: synonymous variant.
Genome position (GRCh38, 1-based): chr19:46,756,911, A>G. VCF-style: chr19-46756911-A-G. GRCh37 (hg19) VCF-style: chr19-47260168-A-G.
Other names: c.1461A>G, p.Ala487= (NM_001039885.3).
Identifiers: ClinVar variation 1153334 (VCV001153334.12), dbSNP rs2122638048, ClinGen allele CA507976448.

ClinVar aggregate classification (germline): Likely benign. Review status: criteria provided, multiple submitters, no conflicts (2 of 4 stars). 3 submissions from 3 submitters: Likely benign (3). Last evaluated 2026-09-01.

Conditions:
Walker-Warburg congenital muscular dystrophy. Also called: Muscular dystrophy-dystroglycanopathy, type A; Walker-Warburg syndrome. Identifiers: Orphanet 899, MedGen C0265221, MONDO:0000171.
Cardiovascular phenotype. Identifiers: MedGen CN230736.

Submissions (3):

CeGaT Center for Human Genetics Tuebingen
Classification: Likely benign. Last evaluated: 2026-09-01. Review status: criteria provided, single submitter. Criteria: CeGaT Center For Human Genetics Tuebingen Variant Classification Criteria Version 2. Collection method: clinical testing. Allele origin: germline. Affected: yes. Observed: 1 variant allele.
Comment: FKRP: PM2:Supporting, BP4, BP7

Labcorp Genetics (formerly Invitae), Labcorp
Classification: Likely benign for Walker-Warburg congenital muscular dystrophy. Last evaluated: 2023-11-09. Review status: criteria provided, single submitter. Criteria: Invitae Variant Classification Sherloc (09022015). Collection method: clinical testing. Allele origin: germline.

Ambry Genetics
Classification: Likely benign for Cardiovascular phenotype. Last evaluated: 2020-08-12. Review status: criteria provided, single submitter. Criteria: Ambry Variant Classification Scheme 2023. Collection method: clinical testing. Allele origin: germline.